The following is an entry in ClinVar:

ClinVar aggregate classification (germline): Uncertain significance. Review status: criteria provided, multiple submitters, no conflicts (2 of 4 stars). 3 submissions from 3 submitters: Uncertain significance (3). Last evaluated 2025-11-03.

Conditions:
Inborn genetic diseases. Identifiers: MedGen C0950123, MeSH D030342.

Allele frequency attached by ClinVar (database versions not stated): ExAC 0.00004; ESP Exome Variant Server 0.00015.
gnomAD v4.1: 26 of 1,613,908 alleles (0.0016%); highest among the groups gnomAD compares: Admixed American, 0.005%; no homozygotes.

Submissions (3):

Ambry Genetics
Classification: Uncertain significance for Inborn genetic diseases. Last evaluated: 2025-11-03. Review status: criteria provided, single submitter. Criteria: Ambry Variant Classification Scheme 2023. Collection method: clinical testing. Allele origin: germline.
Comment: The c.925G>T (p.D309Y) alteration is located in exon 5 (coding exon 5) of the DPYS gene. This alteration results from a G to T substitution at nucleotide position 925, causing the aspartic acid (D) at amino acid position 309 to be replaced by a tyrosine (Y). Based on data from gnomAD, the T allele has an overall frequency of 0.003% (7/282662) total alleles studied. The highest observed frequency was 0.014% (1/7216) of Other alleles. Based on insufficient or conflicting evidence, the clinical significance of this alteration remains unclear.

Blueprint Genetics
Classification: Uncertain significance. Last evaluated: 2024-07-14. Review status: criteria provided, single submitter. Criteria: ACMG Guidelines, 2015. Collection method: clinical testing. Allele origin: germline.

Labcorp Genetics (formerly Invitae), Labcorp
Classification: Uncertain significance. Last evaluated: 2022-01-07. Review status: criteria provided, single submitter. Criteria: Invitae Variant Classification Sherloc (09022015). Collection method: clinical testing. Allele origin: germline.
Comment: This sequence change replaces aspartic acid, which is acidic and polar, with tyrosine, which is neutral and polar, at codon 309 of the DPYS protein (p.Asp309Tyr). This variant is present in population databases (rs370701356, gnomAD 0.005%). This variant has not been reported in the literature in individuals affected with DPYS-related conditions. Algorithms developed to predict the effect of missense changes on protein structure and function are either unavailable or do not agree on the potential impact of this missense change (SIFT: "Deleterious"; PolyPhen-2: "Possibly Damaging"; Align-GVGD: "Class C0"). In summary, the available evidence is currently insufficient to determine the role of this variant in disease. Therefore, it has been classified as a Variant of Uncertain Significance.

NM_001385.3(DPYS):c.925G>T (p.Asp309Tyr)

Gene: DPYS (dihydropyrimidinase; minus strand). Cytogenetic location: 8q22.3.
Variant type: single nucleotide variant.
Coding change: c.925G>T on transcript NM_001385.3 (MANE Select); coding-DNA position 925, G replaced by T.
Protein change: p.Asp309Tyr; replaces aspartic acid 309 with tyrosine.
Molecular consequence: missense variant.
Genome position (GRCh38, 1-based): chr8:104,429,570, C>A on the plus strand (G>T on the coding strand, the complement: DPYS is on the minus strand). VCF-style: chr8-104429570-C-A. GRCh37 (hg19) VCF-style: chr8-105441798-C-A.
Other names: c.925G>T (NM_001385.2); short protein forms D309Y.
Identifiers: ClinVar variation 1943628 (VCV001943628.4), dbSNP rs370701356, ClinGen allele CA4838428.